The following is an entry in ClinVar:

NM_000492.4(CFTR):c.1584+1805G>A

Genes: CFTR (CF transmembrane conductance regulator; plus strand), CFTR-AS1 (CFTR antisense RNA 1; minus strand). Cytogenetic location: 7q31.2.
Variant type: single nucleotide variant.
Coding change: c.1584+1805G>A on transcript NM_000492.4 (MANE Select); 1805 bases into the intron after coding-DNA position 1584, G replaced by A.
Molecular consequence: intron variant.
Genome position (GRCh38, 1-based): chr7:117,561,460, G>A. VCF-style: chr7-117561460-G-A. GRCh37 (hg19) VCF-style: chr7-117201514-G-A.
Identifiers: ClinVar variation 4280016 (VCV004280016.1).

ClinVar aggregate classification (germline): Likely benign (1 of 4 stars; one submission).

Conditions:
Cystic fibrosis (CF). Also called: MUCOVISCIDOSIS. Identifiers: Orphanet 586, MedGen C0010674, MONDO:0009061, OMIM 219700. Disease mechanism: loss of function.

gnomAD v4.1: 179 of 151,996 alleles (0.12%); highest among the groups gnomAD compares: African/African-American, 0.38%; 1 homozygote.

Submission:

Johns Hopkins Genomics, Johns Hopkins University
Classification: Likely benign for Cystic fibrosis. Last evaluated: 2024-04-10. Review status: criteria provided, single submitter. Criteria: ACMG Guidelines, 2015. Collection method: clinical testing. Allele origin: germline.
Comment: PP4, BP4, BP7